The following is an entry in ClinVar:

ClinVar aggregate classification (germline): Pathogenic/Likely pathogenic. Review status: criteria provided, multiple submitters, no conflicts (2 of 4 stars). 3 submissions from 3 submitters: Pathogenic (1); Likely pathogenic (1). 1 of the submissions does not count toward it. Last evaluated 2023-04-18.

Conditions:
Leber congenital amaurosis 2 (LCA2). Also called: AMAUROSIS CONGENITA OF LEBER II; Autosomal Recessive RPE65-Related Retinal Degeneration. Identifiers: Orphanet 65, MedGen C1859844, MONDO:0008765, OMIM 204100. Disease mechanism: loss of function.
Retinitis pigmentosa 20 (RP20). Identifiers: Orphanet 791, MedGen C3151086, MONDO:0013425, OMIM 613794.
Retinitis pigmentosa (RP). Identifiers: Orphanet 791, MedGen C0035334, MeSH D012174, MONDO:0019200, OMIM 268000. Inheritance: Autosomal dominant, autosomal recessive and X linked inheritance.

gnomAD v4.1: 3 of 1,613,960 alleles (0.00019%); highest among the groups gnomAD compares: Non-Finnish European, 0.00025%; no homozygotes.

Submissions (3):

Baylor Genetics
Classification: Likely pathogenic for Leber congenital amaurosis 2. Last evaluated: 2023-04-18. Review status: criteria provided, single submitter. Criteria: ACMG Guidelines, 2015. Collection method: clinical testing. Allele origin: unknown.

Labcorp Genetics (formerly Invitae), Labcorp
Classification: Pathogenic for Leber congenital amaurosis 2; Retinitis pigmentosa 20. Last evaluated: 2020-09-21. Review status: criteria provided, single submitter. Criteria: Invitae Variant Classification Sherloc (09022015). Collection method: clinical testing. Allele origin: germline.
Comment: For these reasons, this variant has been classified as Pathogenic. Loss-of-function variants in RPE65 are known to be pathogenic (PMID: 9326941, 9501220, 9843205, 18632300). Algorithms developed to predict the effect of sequence changes on RNA splicing suggest that this variant may create or strengthen a splice site, but this prediction has not been confirmed by published transcriptional studies. This variant has not been reported in the literature in individuals with RPE65-related conditions. This variant is not present in population databases (ExAC no frequency). This sequence change creates a premature translational stop signal (p.Gln213*) in the RPE65 gene. It is expected to result in an absent or disrupted protein product.

Gen-Eye Clinic, Grow Research Laboratory, Narayana Nethralaya
Classification: Pathogenic for Retinitis pigmentosa. Last evaluated: 2021-05-04. Review status: no assertion criteria provided. Collection method: clinical testing. Allele origin: germline. Affected: yes. Not counted in ClinVar's aggregate classification.

Literature cited by the submitters: PubMed 9326941 (cited by Labcorp Genetics (formerly Invitae), Labcorp); PubMed 9501220 (cited by Labcorp Genetics (formerly Invitae), Labcorp); PubMed 9843205 (cited by Labcorp Genetics (formerly Invitae), Labcorp); PubMed 18632300 (cited by Labcorp Genetics (formerly Invitae), Labcorp).

NM_000329.3(RPE65):c.637C>T (p.Gln213Ter)

Gene: RPE65 (retinoid isomerohydrolase RPE65; minus strand). Cytogenetic location: 1p31.3.
Variant type: single nucleotide variant.
Coding change: c.637C>T on transcript NM_000329.3 (MANE Select); coding-DNA position 637, C replaced by T.
Protein change: p.Gln213Ter; replaces glutamine 213 with a stop codon.
Molecular consequence: nonsense.
Genome position (GRCh38, 1-based): chr1:68,440,859, G>A on the plus strand (C>T on the coding strand, the complement: RPE65 is on the minus strand). VCF-style: chr1-68440859-G-A. GRCh37 (hg19) VCF-style: chr1-68906542-G-A.
Other names: short protein forms Q213*.
Identifiers: ClinVar variation 1076002 (VCV001076002.9), dbSNP rs777966849, ClinGen allele CA340746765.